The following is an entry in ClinVar:

ClinVar aggregate classification (germline): Benign/Likely benign. Review status: criteria provided, multiple submitters, no conflicts (2 of 4 stars). 7 submissions from 7 submitters: Benign (1); Likely benign (5). 1 of the submissions does not count toward it. Last evaluated 2026-06-01.

Conditions:
Inborn genetic diseases. Identifiers: MedGen C0950123, MeSH D030342.
SLC52A3-related disorder. Also called: SLC52A3-related condition.
Brown-Vialetto-van Laere syndrome 1. Also called: BROWN-VIALETTO-VAN LAERE SYNDROME 1, MILD; PONTOBULBAR PALSY WITH DEAFNESS; BULBAR PALSY, PROGRESSIVE, WITH SENSORINEURAL DEAFNESS. Identifiers: Orphanet 572550, Orphanet 97229, MedGen C0796274, MONDO:0024537, OMIM 211530.

Allele frequency attached by ClinVar (database versions not stated): ESP Exome Variant Server 0.00046; TOPMed 0.00080; 1000 Genomes Project 0.00200; ExAC 0.00123; gnomAD 0.00072 and 0.00077; gnomAD exomes 0.00105 and 0.00113; 1000 Genomes Project 30x 0.00156.
gnomAD v4.1: 1,793 of 1,613,158 alleles (0.11%); highest among the groups gnomAD compares: South Asian, 0.31%; 3 homozygotes.

Submissions (7):

CeGaT Center for Human Genetics Tuebingen
Classification: Likely benign. Last evaluated: 2026-06-01. Review status: criteria provided, single submitter. Criteria: CeGaT Center For Human Genetics Tuebingen Variant Classification Criteria Version 2. Collection method: clinical testing. Allele origin: germline. Affected: yes. Observed: 5 variant alleles.
Comment: SLC52A3: BP4, BP7

Labcorp Genetics (formerly Invitae), Labcorp
Classification: Benign for Brown-Vialetto-van Laere syndrome 1. Last evaluated: 2026-01-26. Review status: criteria provided, single submitter. Criteria: Invitae Variant Classification Sherloc (09022015). Collection method: clinical testing. Allele origin: germline.

Blueprint Genetics
Classification: Likely benign. Last evaluated: 2024-11-22. Review status: criteria provided, single submitter. Criteria: ACMG Guidelines, 2015. Collection method: clinical testing. Allele origin: germline.

GeneDx
Classification: Likely benign. Last evaluated: 2020-09-08. Review status: criteria provided, single submitter. Criteria: GeneDx Variant Classification Process June 2021. Collection method: clinical testing. Allele origin: germline. Affected: yes.

Ambry Genetics
Classification: Likely benign for Inborn genetic diseases. Last evaluated: 2019-07-11. Review status: criteria provided, single submitter. Criteria: Ambry Variant Classification Scheme 2023. Collection method: clinical testing. Allele origin: germline.

Laboratory for Molecular Medicine, Mass General Brigham Personalized Medicine
Classification: Likely benign. Last evaluated: 2017-08-23. Review status: criteria provided, single submitter. Criteria: LMM Criteria. Collection method: clinical testing. Allele origin: germline. Observed: 1 variant allele.
Comment: p.Phe113Phe in exon 2 of SLC52A3: This variant is not expected to have clinical significance because it does not alter an amino acid residue and is not located within the splice consensus sequence. It has been identified in 0.37% (56/15284) of South Asian chromosomes by the Exome Aggregation Consortium (ExAC; dbSNP rs151229044).

PreventionGenetics, part of Exact Sciences
Classification: Likely benign for SLC52A3-related condition. Last evaluated: 2019-11-21. Review status: no assertion criteria provided. Collection method: clinical testing. Allele origin: germline. Not counted in ClinVar's aggregate classification.
Comment: This variant is classified as likely benign based on ACMG/AMP sequence variant interpretation guidelines (Richards et al. 2015 PMID: 25741868, with internal and published modifications).

NM_033409.4(SLC52A3):c.339C>T (p.Phe113=)

Gene: SLC52A3 (solute carrier family 52 member 3; minus strand). Cytogenetic location: 20p13.
Variant type: single nucleotide variant.
Coding change: c.339C>T on transcript NM_033409.4 (MANE Select); coding-DNA position 339, C replaced by T.
Protein change: p.Phe113=; no amino-acid change (phenylalanine 113 retained).
Molecular consequence: synonymous variant.
Genome position (GRCh38, 1-based): chr20:765,436, G>A on the plus strand (C>T on the coding strand, the complement: SLC52A3 is on the minus strand). VCF-style: chr20-765436-G-A. GRCh37 (hg19) VCF-style: chr20-746080-G-A.
Other names: c.339C>T, p.Phe113= (NM_001370085.1, NM_001370086.1).
Identifiers: ClinVar variation 543063 (VCV000543063.60), dbSNP rs151229044, ClinGen allele CA9724794.
Genomic context (GRCh38, chr20:765,436, plus strand): 5'-CAGCCGGCTCATGAACGGCAGGAAGGTCACTGAAGAGGTGCAGTCCACCAGGGCCAGGAA[G>A]AAGGTGAGGACCAAGAAGGCGATGCTGTGGTGGCCGTCCAGCACCCAGGAGGTCATATTC-3'
Protein context (NP_212134.3, residues 103-123): HHSIAFLVLT[Phe113=]FLALVDCTSS